The following is an entry in ClinVar:

NM_178452.6(DNAAF1):c.1899G>C (p.Leu633Phe)

Gene: DNAAF1 (dynein axonemal assembly factor 1; plus strand). Cytogenetic location: 16q24.1.
Variant type: single nucleotide variant.
Coding change: c.1899G>C on transcript NM_178452.6 (MANE Select); coding-DNA position 1899, G replaced by C.
Protein change: p.Leu633Phe; replaces leucine 633 with phenylalanine.
Molecular consequence: missense variant.
Genome position (GRCh38, 1-based): chr16:84,176,133, G>C. VCF-style: chr16-84176133-G-C. GRCh37 (hg19) VCF-style: chr16-84209739-G-C.
Other names: c.1191G>C, p.Leu397Phe (NM_001318756.1); short protein forms L397F, L633F.
Identifiers: ClinVar variation 2138039 (VCV002138039.4), dbSNP rs1184177131, ClinGen allele CA396950958.

ClinVar aggregate classification (germline): Uncertain significance (1 of 4 stars; one submission).

Conditions:
Primary ciliary dyskinesia. Also called: Ciliary dyskinesia. Identifiers: Orphanet 244, MedGen C0008780, MONDO:0016575, HP:0012265.

Submission:

Labcorp Genetics (formerly Invitae), Labcorp
Classification: Uncertain significance for Primary ciliary dyskinesia. Last evaluated: 2022-07-19. Review status: criteria provided, single submitter. Criteria: Invitae Variant Classification Sherloc (09022015). Collection method: clinical testing. Allele origin: germline.
Comment: In summary, the available evidence is currently insufficient to determine the role of this variant in disease. Therefore, it has been classified as a Variant of Uncertain Significance. Algorithms developed to predict the effect of missense changes on protein structure and function (SIFT, PolyPhen-2, Align-GVGD) all suggest that this variant is likely to be tolerated. This variant has not been reported in the literature in individuals affected with DNAAF1-related conditions. This variant is not present in population databases (gnomAD no frequency). This sequence change replaces leucine, which is neutral and non-polar, with phenylalanine, which is neutral and non-polar, at codon 633 of the DNAAF1 protein (p.Leu633Phe).